The following is an entry in ClinVar:

NM_000439.5(PCSK1):c.675C>A (p.Cys225Ter)

Genes: PCSK1 (proprotein convertase subtilisin/kexin type 1; minus strand), CAST (calpastatin; plus strand), LOC101929710 (uncharacterized LOC101929710; plus strand). Cytogenetic location: 5q15.
Variant type: single nucleotide variant.
Coding change: c.675C>A on transcript NM_000439.5 (MANE Select); coding-DNA position 675, C replaced by A.
Protein change: p.Cys225Ter; replaces cysteine 225 with a stop codon.
Molecular consequence: nonsense.
Genome position (GRCh38, 1-based): chr5:96,416,067, G>T on the plus strand (C>A on the coding strand, the complement: PCSK1 is on the minus strand). VCF-style: chr5-96416067-G-T. GRCh37 (hg19) VCF-style: chr5-95751771-G-T.
Other names: c.534C>A, p.Cys178Ter (NM_001177875.2); short protein forms C178*, C225*.
Identifiers: ClinVar variation 1333563 (VCV001333563.1), dbSNP rs150991567, ClinGen allele CA360483062.

ClinVar aggregate classification (germline): Likely pathogenic (1 of 4 stars; one submission).

Conditions:
Obesity due to prohormone convertase I deficiency. Also called: OBESITY AND ENDOCRINOPATHY DUE TO IMPAIRED PROCESSING OF PROHORMONES. Identifiers: Orphanet 71528, MedGen C1833053, MONDO:0010961, OMIM 600955.

gnomAD v4.1: 1 of 1,612,564 alleles (0.000062%); highest among the groups gnomAD compares: Non-Finnish European, 0.000085%; no homozygotes.

Submission:

3billion
Classification: Likely pathogenic for Obesity due to prohormone convertase I deficiency. Last evaluated: 2022-01-03. Review status: criteria provided, single submitter. Criteria: ACMG Guidelines, 2015. Collection method: clinical testing. Allele origin: germline. Affected: yes. Observed: 1 heterozygote.
Comment: Stop-gained (nonsense): predicted to result in a loss or disruption of normal protein function through nonsense-mediated decay (NMD) or protein truncation. Multiple pathogenic variants are reported downstream of the variant (PVS1_VS).It is not observed in the gnomAD v2.1.1 dataset (PM2_M). Therefore, this variant is classified as likely pathogenic according to the recommendation of ACMG/AMP guideline.